The following is an entry in ClinVar:

ClinVar aggregate classification (germline): Uncertain significance (1 of 4 stars; one submission).

Allele frequency attached by ClinVar (database versions not stated): TOPMed 0.00001; ExAC 0.00002; gnomAD 0.00002; gnomAD exomes 0.00002.
gnomAD v4.1: 37 of 1,613,004 alleles (0.0023%); highest among the groups gnomAD compares: Non-Finnish European, 0.0027%; no homozygotes.

Submission:

Labcorp Genetics (formerly Invitae), Labcorp
Classification: Uncertain significance. Last evaluated: 2022-07-23. Review status: criteria provided, single submitter. Criteria: Invitae Variant Classification Sherloc (09022015). Collection method: clinical testing. Allele origin: germline.
Comment: This sequence change replaces arginine, which is basic and polar, with histidine, which is basic and polar, at codon 70 of the VPS33A protein (p.Arg70His). This variant is present in population databases (rs767876880, gnomAD 0.006%). This variant has not been reported in the literature in individuals affected with VPS33A-related conditions. Algorithms developed to predict the effect of missense changes on protein structure and function (SIFT, PolyPhen-2, Align-GVGD) all suggest that this variant is likely to be tolerated. In summary, the available evidence is currently insufficient to determine the role of this variant in disease. Therefore, it has been classified as a Variant of Uncertain Significance.

NM_022916.6(VPS33A):c.209G>A (p.Arg70His)

Gene: VPS33A (VPS33A core subunit of CORVET and HOPS complexes; minus strand). Cytogenetic location: 12q24.31.
Variant type: single nucleotide variant.
Coding change: c.209G>A on transcript NM_022916.6 (MANE Select); coding-DNA position 209, G replaced by A.
Protein change: p.Arg70His; replaces arginine 70 with histidine.
Molecular consequence: missense variant.
Genome position (GRCh38, 1-based): chr12:122,263,659, C>T on the plus strand (G>A on the coding strand, the complement: VPS33A is on the minus strand). VCF-style: chr12-122263659-C-T. GRCh37 (hg19) VCF-style: chr12-122748206-C-T.
Other names: c.176G>A, p.Arg59His (NM_001351018.2); c.161G>A, p.Arg54His (NM_001351019.2); c.209G>A, p.Arg70His (NM_001351020.2, NM_001351021.2); short protein forms R54H, R70H, R59H.
Identifiers: ClinVar variation 1923789 (VCV001923789.2), dbSNP rs767876880, ClinGen allele CA6844669.